The following is an entry in ClinVar:

NM_015001.3(SPEN):c.9451G>C (p.Ala3151Pro)

Gene: SPEN (spen family transcriptional repressor; plus strand). Cytogenetic location: 1p36.13.
Variant type: single nucleotide variant.
Coding change: c.9451G>C on transcript NM_015001.3 (MANE Select); coding-DNA position 9451, G replaced by C.
Protein change: p.Ala3151Pro; replaces alanine 3151 with proline.
Molecular consequence: missense variant.
Genome position (GRCh38, 1-based): chr1:15,935,691, G>C. VCF-style: chr1-15935691-G-C. GRCh37 (hg19) VCF-style: chr1-16262186-G-C.
Other names: short protein forms A3151P.
Identifiers: ClinVar variation 4881721 (VCV004881721.2).

ClinVar aggregate classification (germline): Uncertain significance (1 of 4 stars; one submission).

gnomAD v4.1: 3 of 1,613,742 alleles (0.00019%); highest among the groups gnomAD compares: African/African-American, 0.004%; no homozygotes.

Submission:

Dasa
Classification: Uncertain significance. Last evaluated: 2025-11-26. Review status: criteria provided, single submitter. Criteria: DASA Assertion Criteria. Collection method: clinical testing. Allele origin: germline.
Comment: NM_015001.3(SPEN):c.9451G>C (p.Ala3151Pro) is a missense variant that results in the substitution of alanine with proline. This variant is rare in population databases. The currently available literature and clinical evidence are not sufficient to establish a definitive association between this variant and the reported condition. Therefore, this variant is classified as a variant of uncertain significance.